The following is an entry in ClinVar:

NM_006206.6(PDGFRA):c.17C>T (p.Pro6Leu)

Gene: PDGFRA (platelet derived growth factor receptor alpha; plus strand). Cytogenetic location: 4q12.
Variant type: single nucleotide variant.
Coding change: c.17C>T on transcript NM_006206.6 (MANE Select); coding-DNA position 17, C replaced by T.
Protein change: p.Pro6Leu; replaces proline 6 with leucine.
Molecular consequence: missense variant.
Genome position (GRCh38, 1-based): chr4:54,258,785, C>T. VCF-style: chr4-54258785-C-T. GRCh37 (hg19) VCF-style: chr4-55124952-C-T.
Other names: c.17C>T, p.Pro6Leu (NM_001347827.2, NM_001347829.2); c.92C>T, p.Pro31Leu (NM_001347828.2); c.56C>T, p.Pro19Leu (NM_001347830.2); c.17C>T (NM_006206.5); short protein forms P6L, P31L, P19L.
Identifiers: ClinVar variation 240317 (VCV000240317.26), dbSNP rs754092062, ClinGen allele CA2922197.
Genomic context (GRCh38, chr4:54,258,785, plus strand): 5'-ATGCTGTTTCTGTTGACTTTTGACTTTTCTAGTTTCCCAGAGCTATGGGGACTTCCCATC[C>T]GGCGTTCCTGGTCTTAGGCTGTCTTCTCACAGGTACGGAGCCCAGTCCTCTCTGAGTTCC-3'
Protein context (NP_006197.1, residues 1-16): MGTSH[Pro6Leu]AFLVLGCLLT

ClinVar aggregate classification (germline): Conflicting classifications of pathogenicity. Review status: criteria provided, conflicting classifications (1 of 4 stars). 9 submissions from 8 submitters: Uncertain significance (2); Benign (2); Likely benign (5). Last evaluated 2026-06-12.

Conditions:
Polyps, multiple and recurrent inflammatory fibroid, gastrointestinal. Identifiers: MedGen C5193005, MONDO:0008285, OMIM 175510.
PDGFRA-related disorder. Also called: PDGFRA-related condition.
Hereditary cancer-predisposing syndrome. Also called: Neoplastic Syndromes, Hereditary; Hereditary neoplastic syndrome; Hereditary Cancer Syndrome; Tumor predisposition. Identifiers: Orphanet 140162, MedGen C0027672, MeSH D009386, MONDO:0015356.
Ovarian cancer. Also called: OVARIAN CANCER, SOMATIC. Identifiers: Orphanet 213500, MedGen C1140680, MONDO:0008170, OMIM 167000.
Gastrointestinal stromal tumor. Also called: Gastrointestinal stromal tumor, somatic; Gastrointestinal stroma tumor. Identifiers: Orphanet 44890, MedGen C0238198, MeSH D046152, MONDO:0011719, OMIM 606764, HP:0100723.
Idiopathic hypereosinophilic syndrome (HES). Identifiers: Orphanet 3260, MedGen C0206141, MONDO:0011895, OMIM 607685. Disease mechanism: gain of function.

Allele frequency attached by ClinVar (database versions not stated): gnomAD exomes 0.00006; ExAC 0.00007; gnomAD 0.00008 and 0.00009; TOPMed 0.00008.
gnomAD v4.1: 111 of 1,613,438 alleles (0.0069%); highest among the groups gnomAD compares: East Asian, 0.0089%; no homozygotes.

Submissions (9):

Myriad Genetics, Inc.
Classification: Likely benign for Polyps, multiple and recurrent inflammatory fibroid, gastrointestinal. Last evaluated: 2026-06-12. Review status: criteria provided, single submitter. Criteria: Myriad Autosomal Dominant, Autosomal Recessive and X-Linked Classification Criteria (2023). Collection method: clinical testing. Allele origin: unknown.
Comment: This variant is considered likely benign. This variant has been observed at a population frequency that is significantly greater than expected given the associated disease prevalence and penetrance.

Labcorp Genetics (formerly Invitae), Labcorp
Classification: Likely benign for Gastrointestinal stromal tumor. Last evaluated: 2026-01-04. Review status: criteria provided, single submitter. Criteria: Invitae Variant Classification Sherloc (09022015). Collection method: clinical testing. Allele origin: germline.

PreventionGenetics, part of Exact Sciences
Classification: Likely benign for PDGFRA-related condition. Last evaluated: 2025-09-24. Review status: criteria provided, single submitter. Criteria: ACMG Guidelines, 2015. Collection method: clinical testing. Allele origin: germline.
Comment: This variant is classified as likely benign based on ACMG/AMP sequence variant interpretation guidelines (Richards et al. 2015 PMID: 25741868, with internal and published modifications).

Blueprint Genetics
Classification: Likely benign. Last evaluated: 2024-08-27. Review status: criteria provided, single submitter. Criteria: ACMG Guidelines, 2015. Collection method: clinical testing. Allele origin: germline.

Ambry Genetics
Classification: Benign for Hereditary cancer-predisposing syndrome. Last evaluated: 2024-08-20. Review status: criteria provided, single submitter. Criteria: Ambry Variant Classification Scheme 2023. Collection method: clinical testing. Allele origin: germline.

GeneDx
Classification: Uncertain significance. Last evaluated: 2024-01-19. Review status: criteria provided, single submitter. Criteria: GeneDx Variant Classification Process June 2021. Collection method: clinical testing. Allele origin: germline. Affected: yes.
Comment: In silico analysis supports that this missense variant does not alter protein structure/function; This variant is associated with the following publications: (PMID: 30359545, 25336117, 38088145)

Laboratory of Molecular Epidemiology of Birth Defects, West China Second University Hospital, Sichuan University
Classification: Benign for Ovarian cancer. Last evaluated: 2022-01-01. Review status: criteria provided, single submitter. Criteria: ACMG Guidelines, 2015. Collection method: clinical testing. Allele origin: germline. Affected: yes.

Illumina Laboratory Services, Illumina
Classification: Likely benign for Idiopathic hypereosinophilic syndrome. Last evaluated: 2017-04-28. Review status: criteria provided, single submitter. Criteria: ICSL Variant Classification Criteria 13 December 2019. Collection method: clinical testing. Allele origin: germline.
Comment: This variant was observed as part of a predisposition screen in an ostensibly healthy population. A literature search was performed for the gene, cDNA change, and amino acid change (where applicable). No publications were found based on this search. Allele frequency data from public databases allowed determination this variant is unlikely to cause disease. Therefore, this variant is classified as likely benign.

Illumina Laboratory Services, Illumina
Classification: Uncertain significance for Gastrointestinal stromal tumor. Last evaluated: 2017-04-28. Review status: criteria provided, single submitter. Criteria: ICSL Variant Classification Criteria 13 December 2019. Collection method: clinical testing. Allele origin: germline.